The following is an entry in ClinVar:

NM_003898.4(SYNJ2):c.3306T>A (p.Pro1102=)

Gene: SYNJ2 (synaptojanin 2; plus strand). Cytogenetic location: 6q25.3.
Variant type: single nucleotide variant.
Coding change: c.3306T>A on transcript NM_003898.4 (MANE Select); coding-DNA position 3306, T replaced by A.
Protein change: p.Pro1102=; no amino-acid change (proline 1102 retained).
Molecular consequence: synonymous variant.
Genome position (GRCh38, 1-based): chr6:158,086,952, T>A. VCF-style: chr6-158086952-T-A. GRCh37 (hg19) VCF-style: chr6-158507984-T-A.
Other names: c.2595T>A, p.Pro865= (NM_001178088.2); c.3306T>A, p.Pro1102= (NM_001410947.1).
Identifiers: ClinVar variation 2657080 (VCV002657080.24), dbSNP rs1241784831, ClinGen allele CA452822283.

ClinVar aggregate classification (germline): Likely benign (1 of 4 stars; one submission).

Allele frequency attached by ClinVar (database versions not stated): gnomAD exomes below 0.00001; TOPMed below 0.00001; gnomAD 0.00001.
gnomAD v4.1: 4 of 1,603,266 alleles (0.00025%); highest among the groups gnomAD compares: Non-Finnish European, 0.00017%; no homozygotes.

Submission:

CeGaT Center for Human Genetics Tuebingen
Classification: Likely benign. Last evaluated: 2023-03-01. Review status: criteria provided, single submitter. Criteria: CeGaT Center For Human Genetics Tuebingen Variant Classification Criteria Version 2. Collection method: clinical testing. Allele origin: germline. Affected: yes. Observed: 1 variant allele.
Comment: SYNJ2: BP4, BP7